The following is an entry in ClinVar:

ClinVar aggregate classification (germline): Likely pathogenic (0 of 4 stars; one submission).

Conditions:
Severe myoclonic epilepsy in infancy (DRVT). Also called: Epileptic encephalopathy, early infantile, 6 (Dravet syndrome); Dravet syndrome; SEVERE MYOCLONIC EPILEPSY OF INFANCY; DEVELOPMENTAL AND EPILEPTIC ENCEPHALOPATHY 6A; Severe Myoclonic Epilepsy in Infancy (SMEI). Identifiers: Orphanet 33069, MedGen C0751122, MONDO:0100135, OMIM 607208.

Submission:

Cytoplasmic Inheritance Laboratory, Institute of Genetics and Cytology
Classification: Likely pathogenic for Severe myoclonic epilepsy in infancy. Last evaluated: 2022-05-31. Review status: no assertion criteria provided. Collection method: clinical testing. Allele origin: de novo. Affected: yes. Observed: 1 variant allele.
Comment: We consider the variant NM_006920.6:c.352A>G as disease-causing; it results in an amino acid substitution p.Arg118Gly

The variant is absent in publicly available population databases (gnomAD, 1000Genomes).

NM_001165963.4(SCN1A):c.352A>G (p.Arg118Gly)

Gene: SCN1A (sodium voltage-gated channel alpha subunit 1; minus strand). Cytogenetic location: 2q24.3.
Variant type: single nucleotide variant.
Coding change: c.352A>G on transcript NM_001165963.4 (MANE Select); coding-DNA position 352, A replaced by G.
Protein change: p.Arg118Gly; replaces arginine 118 with glycine.
Molecular consequence: missense variant. On other transcripts: 5 prime UTR variant (1), non-coding transcript variant (1).
Genome position (GRCh38, 1-based): chr2:166,058,601, T>C on the plus strand (A>G on the coding strand, the complement: SCN1A is on the minus strand). VCF-style: chr2-166058601-T-C. GRCh37 (hg19) VCF-style: chr2-166915111-T-C.
Other names: p.R118G; c.352A>G, p.Arg118Gly (NM_001165964.3, NM_001202435.3, NM_001353948.2 and 10 more transcripts); c.-2074A>G (NM_001353961.2); short protein forms R118G.
Identifiers: ClinVar variation 1690314 (VCV001690314.2), dbSNP rs2105917940, ClinGen allele CA349076917.